The following is an entry in ClinVar:

ClinVar aggregate classification (germline): Uncertain significance (1 of 4 stars; one submission).

Allele frequency attached by ClinVar (database versions not stated): gnomAD 0.00001.
gnomAD v4.1: 8 of 1,610,566 alleles (0.0005%); highest among the groups gnomAD compares: Admixed American, 0.005%; no homozygotes.

Submission:

Labcorp Genetics (formerly Invitae), Labcorp
Classification: Uncertain significance. Last evaluated: 2022-08-12. Review status: criteria provided, single submitter. Criteria: Invitae Variant Classification Sherloc (09022015). Collection method: clinical testing. Allele origin: germline.
Comment: This sequence change replaces alanine, which is neutral and non-polar, with aspartic acid, which is acidic and polar, at codon 240 of the KERA protein (p.Ala240Asp). This variant is present in population databases (rs776712179, gnomAD 0.003%). This variant has not been reported in the literature in individuals affected with KERA-related conditions. Algorithms developed to predict the effect of missense changes on protein structure and function are either unavailable or do not agree on the potential impact of this missense change (SIFT: "Deleterious"; PolyPhen-2: "Benign"; Align-GVGD: "Class C15"). In summary, the available evidence is currently insufficient to determine the role of this variant in disease. Therefore, it has been classified as a Variant of Uncertain Significance.

NM_007035.4(KERA):c.719C>A (p.Ala240Asp)

Gene: KERA (keratocan; minus strand). Cytogenetic location: 12q21.33.
Variant type: single nucleotide variant.
Coding change: c.719C>A on transcript NM_007035.4 (MANE Select); coding-DNA position 719, C replaced by A.
Protein change: p.Ala240Asp; replaces alanine 240 with aspartic acid.
Molecular consequence: missense variant.
Genome position (GRCh38, 1-based): chr12:91,055,563, G>T on the plus strand (C>A on the coding strand, the complement: KERA is on the minus strand). VCF-style: chr12-91055563-G-T. GRCh37 (hg19) VCF-style: chr12-91449340-G-T.
Other names: short protein forms A240D.
Identifiers: ClinVar variation 2038764 (VCV002038764.4), dbSNP rs776712179, ClinGen allele CA6716524.